The following is an entry in ClinVar:

ClinVar aggregate classification (germline): Benign (1 of 4 stars; one submission).

Allele frequency attached by ClinVar (database versions not stated): TOPMed 0.74163; 1000 Genomes Project 30x 0.74266; gnomAD 0.74860 and 0.76064; 1000 Genomes Project 0.75699.

Submission:

GeneDx
Classification: Benign. Last evaluated: 2018-06-19. Review status: criteria provided, single submitter. Criteria: GeneDx Variant Classification (06012015). Collection method: clinical testing. Allele origin: germline. Affected: yes.
Comment: This variant is considered likely benign or benign based on one or more of the following criteria: it is a conservative change, it occurs at a poorly conserved position in the protein, it is predicted to be benign by multiple in silico algorithms, and/or has population frequency not consistent with disease.

NM_018136.5(ASPM):c.8987+302T>C

Gene: ASPM (assembly factor for spindle microtubules; minus strand). Cytogenetic location: 1q31.3.
Variant type: single nucleotide variant.
Coding change: c.8987+302T>C on transcript NM_018136.5 (MANE Select); 302 bases into the intron after coding-DNA position 8987, T replaced by C.
Molecular consequence: intron variant.
Genome position (GRCh38, 1-based): chr1:197,095,696, A>G on the plus strand (T>C on the coding strand, the complement: ASPM is on the minus strand). VCF-style: chr1-197095696-A-G. GRCh37 (hg19) VCF-style: chr1-197064826-A-G.
Other names: c.4232+302T>C (NM_001206846.2).
Identifiers: ClinVar variation 667999 (VCV000667999.1), dbSNP rs1953064, ClinGen allele CA16075649.
Genomic context (GRCh38, chr1:197,095,696, plus strand): 5'-AGTAGTTAAGTCACCCAGCAAAATGGCCCAAAGCACTAATAAGAAAACCAAGTCTTAACT[A>G]AATGATTTTATTCACTTCCTACGTCTCTGTCCTTACTCTAATCCTTATGAACCTGAATTA-3'